The following is an entry in ClinVar:

NM_000069.3(CACNA1S):c.1406G>T (p.Arg469Leu)

Gene: CACNA1S (calcium voltage-gated channel subunit alpha1 S; minus strand). Cytogenetic location: 1q32.1.
Variant type: single nucleotide variant.
Coding change: c.1406G>T on transcript NM_000069.3 (MANE Select); coding-DNA position 1406, G replaced by T.
Protein change: p.Arg469Leu; replaces arginine 469 with leucine.
Molecular consequence: missense variant.
Genome position (GRCh38, 1-based): chr1:201,078,092, C>A on the plus strand (G>T on the coding strand, the complement: CACNA1S is on the minus strand). VCF-style: chr1-201078092-C-A. GRCh37 (hg19) VCF-style: chr1-201047220-C-A.
Other names: short protein forms R469L.
Identifiers: ClinVar variation 2930296 (VCV002930296.4), dbSNP rs371024880, ClinGen allele CA078228.

ClinVar aggregate classification (germline): Uncertain significance. Review status: criteria provided, multiple submitters, no conflicts (2 of 4 stars). 2 submissions from 2 submitters: Uncertain significance (2). Last evaluated 2024-10-17.

Conditions:
Malignant hyperthermia, susceptibility to, 5 (MHS5). Also called: CACNA1S-Related Malignant Hyperthermia Susceptibility. Identifiers: Orphanet 423, MedGen C1866077, MONDO:0011163, OMIM 601887.
Hypokalemic periodic paralysis, type 1. Also called: Hypokalemic Periodic Paralysis Type 1 (AD); HypoPP. Identifiers: Orphanet 681, MedGen C3714580, MONDO:0042979, OMIM 170400.

Submissions (2):

Revvity Omics, Revvity
Classification: Uncertain significance. Last evaluated: 2024-10-17. Review status: criteria provided, single submitter. Criteria: ACMG Guidelines, 2015. Collection method: clinical testing. Allele origin: germline.

Labcorp Genetics (formerly Invitae), Labcorp
Classification: Uncertain significance for Hypokalemic periodic paralysis, type 1; Malignant hyperthermia, susceptibility to, 5. Last evaluated: 2022-11-10. Review status: criteria provided, single submitter. Criteria: Invitae Variant Classification Sherloc (09022015). Collection method: clinical testing. Allele origin: germline.
Comment: This sequence change replaces arginine, which is basic and polar, with leucine, which is neutral and non-polar, at codon 469 of the CACNA1S protein (p.Arg469Leu). In summary, the available evidence is currently insufficient to determine the role of this variant in disease. Therefore, it has been classified as a Variant of Uncertain Significance. This variant is present in population databases (rs371024880, gnomAD 0.006%). This variant has not been reported in the literature in individuals affected with CACNA1S-related conditions. Advanced modeling of protein sequence and biophysical properties (such as structural, functional, and spatial information, amino acid conservation, physicochemical variation, residue mobility, and thermodynamic stability) performed at Invitae indicates that this missense variant is not expected to disrupt CACNA1S protein function.